The following is an entry in ClinVar:

NM_018026.4(PACS1):c.1643_1648del (p.Val548_Tyr549del)

Gene: PACS1 (phosphofurin acidic cluster sorting protein 1; plus strand). Cytogenetic location: 11q13.2.
Variant type: Deletion.
Coding change: c.1643_1648del on transcript NM_018026.4 (MANE Select); coding-DNA positions 1643 to 1648, 6 bases deleted (TGTATG; older notation c.1643_1648delTGTATG).
Protein change: p.Val548_Tyr549del.
Molecular consequence: inframe deletion.
Genome position (GRCh38, 1-based): chr11:66,232,188-66,232,193, TGTATG deleted; deleting any 6 consecutive bases within chr11:66,232,187-66,232,193 gives the same sequence; the c. name uses the placement nearest the transcript's 3' end. VCF-style (leftmost placement, unchanged base first): chr11-66232186-GGTGTAT-G. GRCh37 (hg19) VCF-style: chr11-65999657-GGTGTAT-G.
Identifiers: ClinVar variation 2574285 (VCV002574285.4), dbSNP rs1855610395, ClinGen allele CA938971532.

ClinVar aggregate classification (germline): Uncertain significance. Review status: criteria provided, multiple submitters, no conflicts (2 of 4 stars). 2 submissions from 2 submitters: Uncertain significance (2). Last evaluated 2023-01-31.

Conditions:
Schuurs-Hoeijmakers syndrome. Also called: PACS1-Related Neurodevelopmental Disorder. Identifiers: Orphanet 329224, MedGen C3554343, MONDO:0014006, OMIM 615009.

Submissions (2):

GeneDx
Classification: Uncertain significance. Last evaluated: 2023-01-31. Review status: criteria provided, single submitter. Criteria: GeneDx Variant Classification Process June 2021. Collection method: clinical testing. Allele origin: germline. Affected: yes.
Comment: Not observed at significant frequency in large population cohorts (gnomAD); In-frame deletion of 2 amino acids in a non-repeat region; In silico analysis supports that this variant does not alter protein structure/function; Has not been previously published as pathogenic or benign to our knowledge

Labcorp Genetics (formerly Invitae), Labcorp
Classification: Uncertain significance for Schuurs-Hoeijmakers syndrome. Last evaluated: 2022-11-16. Review status: criteria provided, single submitter. Criteria: Invitae Variant Classification Sherloc (09022015). Collection method: clinical testing. Allele origin: germline.
Comment: In summary, the available evidence is currently insufficient to determine the role of this variant in disease. Therefore, it has been classified as a Variant of Uncertain Significance. Experimental studies and prediction algorithms are not available or were not evaluated, and the functional significance of this variant is currently unknown. This variant has not been reported in the literature in individuals affected with PACS1-related conditions. This variant is not present in population databases (gnomAD no frequency). This variant, c.1643_1648del, results in the deletion of 2 amino acid(s) of the PACS1 protein (p.Val548_Tyr549del), but otherwise preserves the integrity of the reading frame.